The following is an entry in ClinVar:

NM_020975.6(RET):c.249C>A (p.Asn83Lys)

Gene: RET (ret proto-oncogene; plus strand). Cytogenetic location: 10q11.21.
Variant type: single nucleotide variant.
Coding change: c.249C>A on transcript NM_020975.6 (MANE Select); coding-DNA position 249, C replaced by A.
Protein change: p.Asn83Lys; replaces asparagine 83 with lysine.
Molecular consequence: missense variant. On other transcripts: intron variant (4).
Genome position (GRCh38, 1-based): chr10:43,100,634, C>A. VCF-style: chr10-43100634-C-A. GRCh37 (hg19) VCF-style: chr10-43596082-C-A.
Other names: c.74-11465C>A (NM_001406794.1, NM_001406792.1, NM_001406793.1); c.249C>A, p.Asn83Lys (NM_001406743.1, NM_001406744.1, NM_001406759.1 and 32 more transcripts); c.74-8397C>A (NM_001406784.1); short protein forms N83K.
Identifiers: ClinVar variation 4540397 (VCV004540397.1).
Genomic context (GRCh38, chr10:43,100,634, plus strand): 5'-GCCCAGCTTCCGCCTGGGCCAGCATCTCTACGGCACGTACCGCACACGGCTGCATGAGAA[C>A]AACTGGATCTGCATCCAGGAGGACACCGGCCTCCTCTACCTTAACCGGAGCCTGGACCAT-3'
Protein context (NP_066124.1, residues 73-93): YGTYRTRLHE[Asn83Lys]NWICIQEDTG

ClinVar aggregate classification (germline): Uncertain significance (1 of 4 stars; one submission).

Submission:

GeneDx
Classification: Uncertain significance. Last evaluated: 2025-06-24. Review status: criteria provided, single submitter. Criteria: GeneDx Variant Classification Process June 2021. Collection method: clinical testing. Allele origin: germline. Affected: yes.
Comment: Not observed at significant frequency in large population cohorts (gnomAD); In silico analysis suggests that this missense variant does not alter protein structure/function; Has not been previously published as pathogenic or benign to our knowledge; This variant is associated with the following publications: (PMID: 14633923)